The following is an entry in ClinVar:

NM_001429.4(EP300):c.458T>C (p.Met153Thr)

Gene: EP300 (EP300 lysine acetyltransferase; plus strand). Cytogenetic location: 22q13.2.
Variant type: single nucleotide variant.
Coding change: c.458T>C on transcript NM_001429.4 (MANE Select); coding-DNA position 458, T replaced by C.
Protein change: p.Met153Thr; replaces methionine 153 with threonine.
Molecular consequence: missense variant.
Genome position (GRCh38, 1-based): chr22:41,117,550, T>C. VCF-style: chr22-41117550-T-C. GRCh37 (hg19) VCF-style: chr22-41513554-T-C.
Other names: c.458T>C, p.Met153Thr (NM_001362843.2); short protein forms M153T.
Identifiers: ClinVar variation 2174302 (VCV002174302.5), dbSNP rs1312379259, ClinGen allele CA411680781.

ClinVar aggregate classification (germline): Conflicting classifications of pathogenicity. Review status: criteria provided, conflicting classifications (1 of 4 stars). 2 submissions from 2 submitters: Uncertain significance (1); Likely benign (1). Last evaluated 2023-11-09.

Conditions:
Rubinstein-Taybi syndrome due to EP300 haploinsufficiency. Also called: EP300-Related Rubinstein-Taybi Syndrome; RUBINSTEIN-TAYBI SYNDROME 2. Identifiers: Orphanet 353284, Orphanet 783, MedGen C3150941, MONDO:0013364, OMIM 613684.

Allele frequency attached by ClinVar (database versions not stated): gnomAD exomes below 0.00001; gnomAD 0.00001.

Submissions (2):

Women's Health and Genetics/Laboratory Corporation of America, LabCorp
Classification: Uncertain significance. Last evaluated: 2023-11-09. Review status: criteria provided, single submitter. Criteria: LabCorp Variant Classification Summary - May 2015. Collection method: clinical testing. Allele origin: germline.
Comment: Variant summary: EP300 c.458T>C (p.Met153Thr) results in a non-conservative amino acid change in the encoded protein sequence. Four of five in-silico tools predict a damaging effect of the variant on protein function. The variant allele was found at a frequency of 3.7e-06 in 1613842 control chromosomes (i.e., 6 heterozygotes; gnomAD v4.0.0). The available data on variant occurrences in the general population are insufficient to allow any conclusion about variant significance. However, given the congenital nature of Rubinstein-Taybi Syndrome and predominance of de novo causative variants reported in a cohort of individuals affected with this disease (PMID: 27465822), this frequency suggests the variant may be a benign polymorphism. To our knowledge, no occurrence of c.458T>C in individuals affected with Rubinstein-Taybi Syndrome 2 and no experimental evidence demonstrating its impact on protein function have been reported. One submitter has reported clinical-significance assessments for this variant to ClinVar after 2014 and has classified the variant as likely benign without evidence for independent evaluation. Based on the evidence outlined above, the variant was classified as VUS-possibly benign.

Labcorp Genetics (formerly Invitae), Labcorp
Classification: Likely benign for Rubinstein-Taybi syndrome due to EP300 haploinsufficiency. Last evaluated: 2022-03-15. Review status: criteria provided, single submitter. Criteria: Invitae Variant Classification Sherloc (09022015). Collection method: clinical testing. Allele origin: germline.